The following is an entry in ClinVar:

NM_000320.3(QDPR):c.436+2552A>G

Gene: QDPR (quinoid dihydropteridine reductase; minus strand). Cytogenetic location: 4p15.32.
Variant type: single nucleotide variant.
Coding change: c.436+2552A>G on transcript NM_000320.3 (MANE Select); 2552 bases into the intron after coding-DNA position 436, A replaced by G.
Molecular consequence: intron variant.
Genome position (GRCh38, 1-based): chr4:17,499,167, T>C on the plus strand (A>G on the coding strand, the complement: QDPR is on the minus strand). VCF-style: chr4-17499167-T-C. GRCh37 (hg19) VCF-style: chr4-17500790-T-C.
Other names: c.343+2552A>G (NM_001306140.2).
Identifiers: ClinVar variation 3720573 (VCV003720573.4).
Genomic context (GRCh38, chr4:17,499,167, plus strand): 5'-AGATCCATTGAGACATTTACAAGGTACAACCACCATATATATAAAGGAGACACTATTTTA[T>C]CTTATTTTACAGATGACAAAACGCAGACTCAGAAAGGCGAAGTAACTTGCCGAACGTGTC-3'

ClinVar aggregate classification (germline): Pathogenic. Review status: criteria provided, multiple submitters, no conflicts (2 of 4 stars). 2 submissions from 2 submitters: Pathogenic (2). Last evaluated 2025-01-07.

Conditions:
Dihydropteridine reductase deficiency (HPABH4C). Also called: BH4-Deficient Hyperphenylalaninemia C; HYPERPHENYLALANINEMIA, TETRAHYDROBIOPTERIN-DEFICIENT, DUE TO DHPR DEFICIENCY; QDPR DEFICIENCY; QUINOID DIHYDROPTERIDINE REDUCTASE DEFICIENCY; Phenylketonuria II; Hyperphenylalaninemia due to dihydropteridine reductase deficiency. Identifiers: Orphanet 226, Orphanet 238583, MedGen C0268465, MONDO:0009862, OMIM 261630.

Submissions (2):

Women's Health and Genetics/Laboratory Corporation of America, LabCorp
Classification: Pathogenic for Dihydropteridine reductase deficiency. Last evaluated: 2025-01-07. Review status: criteria provided, single submitter. Criteria: LabCorp Variant Classification Summary - May 2015. Collection method: clinical testing. Allele origin: germline.
Comment: Variant summary: QDPR c.436+2552A>G is located at a position not widely known to affect splicing. Several computational tools predict a significant impact on normal splicing: Four predict the variant creates a 5' cryptic donor site. One predict the variant strengthens a 3' cryptic acceptor site. At least one publication reports experimental evidence that this variant affects mRNA splicing by introducing a 152 bp pseudoexon containing an early stop codon (Ikeda_1997). The variant was absent in 31400 control chromosomes. c.436+2552A>G has been reported in the literature in two siblings affected with Dihydropteridine Reductase Deficiency (Ikeda_1997). These data indicate that the variant may be associated with disease. The following publication has been ascertained in the context of this evaluation (PMID: 9341885). No submitters have cited clinical-significance assessments for this variant to ClinVar. Based on the evidence outlined above, the variant was classified as pathogenic.

Labcorp Genetics (formerly Invitae), Labcorp
Classification: Pathogenic for Dihydropteridine reductase deficiency. Last evaluated: 2024-02-11. Review status: criteria provided, single submitter. Criteria: Invitae Variant Classification Sherloc (09022015). Collection method: clinical testing. Allele origin: germline.
Comment: This sequence change falls in intron 4 of the QDPR gene. It does not directly change the encoded amino acid sequence of the QDPR protein. This variant is not present in population databases (gnomAD no frequency). This variant has been observed in individual(s) with tetrahydrobiopterin (BH4)-deficient hyperphenylalaninemia (PMID: 9341885). It has also been observed to segregate with disease in related individuals. Algorithms developed to predict the effect of sequence changes on RNA splicing suggest that this variant may create or strengthen a splice site. For these reasons, this variant has been classified as Pathogenic.

Literature cited by the submitters: PubMed 9341885 (cited by Women's Health and Genetics/Laboratory Corporation of America, LabCorp and Labcorp Genetics (formerly Invitae), Labcorp).